The following is an entry in ClinVar:

ClinVar aggregate classification (germline): Uncertain significance (1 of 4 stars; one submission).

gnomAD v4.1: 5 of 1,569,640 alleles (0.00032%); highest among the groups gnomAD compares: Non-Finnish European, 0.00043%; no homozygotes.

Submission:

Labcorp Genetics (formerly Invitae), Labcorp
Classification: Uncertain significance. Last evaluated: 2021-12-29. Review status: criteria provided, single submitter. Criteria: Invitae Variant Classification Sherloc (09022015). Collection method: clinical testing. Allele origin: germline.
Comment: The frequency data for this variant in the population databases is considered unreliable, as metrics indicate poor data quality at this position in the gnomAD database. This sequence change replaces glycine, which is neutral and non-polar, with arginine, which is basic and polar, at codon 837 of the LTBP4 protein (p.Gly837Arg). In summary, the available evidence is currently insufficient to determine the role of this variant in disease. Therefore, it has been classified as a Variant of Uncertain Significance. Experimental studies and prediction algorithms are not available or were not evaluated, and the functional significance of this variant is currently unknown. This variant has not been reported in the literature in individuals affected with LTBP4-related conditions.

NM_001042545.2(LTBP4):c.2419G>A (p.Gly807Arg)

Gene: LTBP4 (latent transforming growth factor beta binding protein 4; plus strand). Cytogenetic location: 19q13.2.
Variant type: single nucleotide variant.
Coding change: c.2419G>A on transcript NM_001042545.2 (MANE Select); coding-DNA position 2419, G replaced by A.
Protein change: p.Gly807Arg; replaces glycine 807 with arginine.
Molecular consequence: missense variant.
Genome position (GRCh38, 1-based): chr19:40,613,184, G>A. VCF-style: chr19-40613184-G-A. GRCh37 (hg19) VCF-style: chr19-41119090-G-A.
Other names: c.2620G>A, p.Gly874Arg (NM_001042544.1); c.2509G>A, p.Gly837Arg (NM_003573.2); short protein forms G807R, G874R, G837R.
Identifiers: ClinVar variation 1400259 (VCV001400259.7), dbSNP rs559350666, ClinGen allele CA405939187.